The following is an entry in ClinVar:

NM_003776.4(MRPL40):c.551A>C (p.Asn184Thr)

Gene: MRPL40 (mitochondrial ribosomal protein L40; plus strand). Cytogenetic location: 22q11.21.
Variant type: single nucleotide variant.
Coding change: c.551A>C on transcript NM_003776.4 (MANE Select); coding-DNA position 551, A replaced by C.
Protein change: p.Asn184Thr; replaces asparagine 184 with threonine.
Molecular consequence: missense variant.
Genome position (GRCh38, 1-based): chr22:19,435,892, A>C. VCF-style: chr22-19435892-A-C. GRCh37 (hg19) VCF-style: chr22-19423415-A-C.
Other names: c.419A>C, p.Asn140Thr (NM_001318151.2); c.551A>C (NM_003776.2); short protein forms N184T, N140T.
Identifiers: ClinVar variation 1356522 (VCV001356522.7), dbSNP rs113315821, ClinGen allele CA10100250.

ClinVar aggregate classification (germline): Uncertain significance. Review status: criteria provided, multiple submitters, no conflicts (2 of 4 stars). 2 submissions from 2 submitters: Uncertain significance (2). Last evaluated 2025-04-05.

Allele frequency attached by ClinVar (database versions not stated): ExAC 0.00003; gnomAD exomes 0.00004; gnomAD 0.00011; TOPMed 0.00013; ESP Exome Variant Server 0.00015.
gnomAD v4.1: 53 of 1,614,174 alleles (0.0033%); highest among the groups gnomAD compares: African/African-American, 0.04%; 1 homozygote.

Submissions (2):

Ambry Genetics
Classification: Uncertain significance. Last evaluated: 2025-04-05. Review status: criteria provided, single submitter. Criteria: Ambry Variant Classification Scheme 2023. Collection method: clinical testing. Allele origin: germline.

Labcorp Genetics (formerly Invitae), Labcorp
Classification: Uncertain significance. Last evaluated: 2024-05-08. Review status: criteria provided, single submitter. Criteria: Invitae Variant Classification Sherloc (09022015). Collection method: clinical testing. Allele origin: germline.
Comment: This sequence change replaces asparagine, which is neutral and polar, with threonine, which is neutral and polar, at codon 184 of the MRPL40 protein (p.Asn184Thr). This variant is present in population databases (rs113315821, gnomAD 0.04%). This variant has not been reported in the literature in individuals affected with MRPL40-related conditions. ClinVar contains an entry for this variant (Variation ID: 1356522). An algorithm developed to predict the effect of missense changes on protein structure and function (PolyPhen-2) suggests that this variant is likely to be tolerated. In summary, the available evidence is currently insufficient to determine the role of this variant in disease. Therefore, it has been classified as a Variant of Uncertain Significance.